The following is an entry in ClinVar:

NM_000257.4(MYH7):c.1543A>G (p.Met515Val)

Gene: MYH7 (myosin heavy chain 7; minus strand). Cytogenetic location: 14q11.2.
Variant type: single nucleotide variant.
Coding change: c.1543A>G on transcript NM_000257.4 (MANE Select); coding-DNA position 1543, A replaced by G.
Protein change: p.Met515Val; replaces methionine 515 with valine.
Molecular consequence: missense variant.
Genome position (GRCh38, 1-based): chr14:23,428,535, T>C on the plus strand (A>G on the coding strand, the complement: MYH7 is on the minus strand). VCF-style: chr14-23428535-T-C. GRCh37 (hg19) VCF-style: chr14-23897744-T-C.
Other names: c.1543A>G, p.Met515Val (NM_001407004.1); short protein forms M515V.
Identifiers: ClinVar variation 4884318 (VCV004884318.1).

ClinVar aggregate classification (germline): Pathogenic (1 of 4 stars; one submission).

Conditions:
Hypertrophic cardiomyopathy 1 (CMH1). Also called: Familial hypertrophic cardiomyopathy 1; MYH7-Related Familial Hypertrophic Cardiomyopathy. Identifiers: MedGen C3495498, MONDO:0008647, OMIM 192600.

Submission:

Clinical Genetics, Tokyo Medical University
Classification: Pathogenic for Hypertrophic cardiomyopathy 1. Last evaluated: 2026-08-04. Review status: criteria provided, single submitter. Criteria: ACMG Guidelines, 2015. Collection method: clinical testing. Allele origin: germline. Inheritance: Autosomal dominant inheritance. Affected: yes. Observed: 1 variant allele, 1 heterozygote.
Comment: MYH7 c.1543A>G (p.Met515Val) was classified as Pathogenic based on the 2015 ACMG/AMP guidelines. PS4: The variant has been reported in a patient with restrictive cardiomyopathy, and the patient's daughter also carried the variant with a hypertrophic phenotype. PM1: Located in a mutational hot spot in the myosin head domain. PM2: Absent from population databases (gnomAD). PP1: Familial segregation confirmed. PP4: Patient phenotype (dilated phase of HCM, LVEDD 62mm, EF 30%) is highly specific for MYH7-related cardiomyopathy. The variant is predicted damaging by multiple in silico tools (MutationTaster: disease causing, FATHMM: damaging, CADD phred 23.4).